The following is an entry in ClinVar:

NM_001363118.2(SLC52A2):c.61A>T (p.Met21Leu)

Gene: SLC52A2 (solute carrier family 52 member 2; plus strand). Cytogenetic location: 8q24.3.
Variant type: single nucleotide variant.
Coding change: c.61A>T on transcript NM_001363118.2 (MANE Select); coding-DNA position 61, A replaced by T.
Protein change: p.Met21Leu; replaces methionine 21 with leucine.
Molecular consequence: missense variant.
Genome position (GRCh38, 1-based): chr8:144,359,354, A>T. VCF-style: chr8-144359354-A-T. GRCh37 (hg19) VCF-style: chr8-145583014-A-T.
Other names: c.61A>T, p.Met21Leu (NM_001253815.2, NM_001253816.2, NM_001363120.2 and 3 more transcripts); short protein forms M21L.
Identifiers: ClinVar variation 1804459 (VCV001804459.1), dbSNP rs2489035331, ClinGen allele CA372625694.

ClinVar aggregate classification (germline): Uncertain significance (1 of 4 stars; one submission).

gnomAD v4.1: 2 of 1,614,008 alleles (0.00012%); highest among the groups gnomAD compares: East Asian, 0.0022%; no homozygotes.

Submission:

GeneDx
Classification: Uncertain significance. Last evaluated: 2022-06-14. Review status: criteria provided, single submitter. Criteria: GeneDx Variant Classification Process June 2021. Collection method: clinical testing. Allele origin: germline. Affected: yes.
Comment: Not observed at significant frequency in large population cohorts (gnomAD); In silico analysis supports that this missense variant does not alter protein structure/function; Has not been previously published as pathogenic or benign to our knowledge